The following is an entry in ClinVar:

NM_000051.4(ATM):c.1120del (p.Gln374fs)

Gene: ATM (ATM serine/threonine kinase; plus strand). Cytogenetic location: 11q22.3.
Variant type: Deletion.
Coding change: c.1120del on transcript NM_000051.4 (MANE Select); coding-DNA position 1120, one base deleted (C; older notation c.1120delC).
Protein change: p.Gln374fs; shifts the reading frame from glutamine 374.
Molecular consequence: frameshift variant.
Genome position (GRCh38, 1-based): chr11:108,248,987, C deleted. VCF-style (leftmost placement, unchanged base first): chr11-108248986-AC-A. GRCh37 (hg19) VCF-style: chr11-108119713-AC-A.
Other names: c.1120del, p.Gln374fs (NM_001351834.2); short protein forms Q374fs.
Identifiers: ClinVar variation 1299969 (VCV001299969.3), dbSNP rs2135292079, ClinGen allele CA2499220559.

ClinVar aggregate classification (germline): Pathogenic. Review status: criteria provided, single submitter (1 of 4 stars). 3 submissions from 3 submitters: Pathogenic (1). 2 of the submissions do not count toward it. Last evaluated 2024-01-12.

Conditions:
Familial cancer of breast. Also called: Hereditary breast cancer; BREAST CANCER, FAMILIAL; hereditary breast carcinoma. Identifiers: Orphanet 227535, MedGen C0346153, MONDO:0016419, OMIM 114480. Disease mechanism: loss of function.

Submissions (3):

Myriad Genetics, Inc.
Classification: Pathogenic for Familial cancer of breast. Last evaluated: 2024-01-12. Review status: criteria provided, single submitter. Criteria: Myriad Autosomal Dominant, Autosomal Recessive and X-Linked Classification Criteria (2023). Collection method: clinical testing. Allele origin: unknown.
Comment: This variant is considered pathogenic. This variant creates a frameshift predicted to result in premature protein truncation.

Joint Genome Diagnostic Labs from Nijmegen and Maastricht, Radboudumc and MUMC+
Classification: Pathogenic. Review status: no assertion criteria provided. Collection method: clinical testing. Allele origin: germline. Affected: yes. Study: VKGL Data-share Consensus. Not counted in ClinVar's aggregate classification.

Laboratory of Diagnostic Genome Analysis, Leiden University Medical Center (LUMC)
Classification: Pathogenic. Review status: no assertion criteria provided. Collection method: clinical testing. Allele origin: germline. Affected: yes. Study: VKGL Data-share Consensus. Not counted in ClinVar's aggregate classification.